The following is an entry in ClinVar:

NM_014846.4(WASHC5):c.113C>G (p.Ala38Gly)

Gene: WASHC5 (WASH complex subunit 5; minus strand). Cytogenetic location: 8q24.13.
Variant type: single nucleotide variant.
Coding change: c.113C>G on transcript NM_014846.4 (MANE Select); coding-DNA position 113, C replaced by G.
Protein change: p.Ala38Gly; replaces alanine 38 with glycine.
Molecular consequence: missense variant. On other transcripts: intron variant (1).
Genome position (GRCh38, 1-based): chr8:125,083,786, G>C on the plus strand (C>G on the coding strand, the complement: WASHC5 is on the minus strand). VCF-style: chr8-125083786-G-C. GRCh37 (hg19) VCF-style: chr8-126096028-G-C.
Other names: c.-258-528C>G (NM_001330609.2); short protein forms A38G.
Identifiers: ClinVar variation 2931121 (VCV002931121.3), dbSNP rs2537392189, ClinGen allele CA372268278.

ClinVar aggregate classification (germline): Uncertain significance (1 of 4 stars; one submission).

Conditions:
Hereditary spastic paraplegia 8 (SPG8). Also called: SPASTIC PARAPLEGIA 8, AUTOSOMAL DOMINANT. Identifiers: Orphanet 100989, MedGen C1863704, MONDO:0011339, OMIM 603563.
Ritscher-Schinzel syndrome. Also called: CRANIOCEREBELLOCARDIAC DYSPLASIA. Identifiers: Orphanet 7, MedGen C0796137, MONDO:0019078.

Submission:

Labcorp Genetics (formerly Invitae), Labcorp
Classification: Uncertain significance for Ritscher-Schinzel syndrome; Hereditary spastic paraplegia 8. Last evaluated: 2023-08-21. Review status: criteria provided, single submitter. Criteria: Invitae Variant Classification Sherloc (09022015). Collection method: clinical testing. Allele origin: germline.
Comment: In summary, the available evidence is currently insufficient to determine the role of this variant in disease. Therefore, it has been classified as a Variant of Uncertain Significance. Advanced modeling of protein sequence and biophysical properties (such as structural, functional, and spatial information, amino acid conservation, physicochemical variation, residue mobility, and thermodynamic stability) performed at Invitae indicates that this missense variant is not expected to disrupt WASHC5 protein function. This variant has not been reported in the literature in individuals affected with WASHC5-related conditions. This variant is not present in population databases (gnomAD no frequency). This sequence change replaces alanine, which is neutral and non-polar, with glycine, which is neutral and non-polar, at codon 38 of the WASHC5 protein (p.Ala38Gly).